The following is an entry in ClinVar:

ClinVar aggregate classification (germline): Likely pathogenic. Review status: reviewed by expert panel (3 of 4 stars). 2 submissions from 2 submitters: Likely pathogenic (1). 1 of the submissions does not count toward it. Last evaluated 2026-10-05.

Conditions:
Hereditary thrombocytopenia and hematologic cancer predisposition syndrome. Identifiers: Orphanet 71290, MedGen CN281654, MONDO:0011071.
Hereditary thrombocytopenia and hematological cancer predisposition syndrome associated with RUNX1. Also called: Familial Platelet Disorder with Propensity to Acute Myelogenous Leukemia; Familial thrombocytopenia with propensity to acute myelogenous leukemia; RUNX1 Familial Platelet Disorder with Associated Myeloid Malignancies; PLATELET DISORDER, ASPIRIN-LIKE. Identifiers: Orphanet 71290, MedGen C1832388, MeSH C563324, MONDO:0100083, OMIM 601399.

Submissions (2):

ClinGen Myeloid Malignancy Variant Curation Expert Panel
Classification: Likely pathogenic for Hereditary thrombocytopenia and hematologic cancer predisposition syndrome. Last evaluated: 2026-10-05. Review status: reviewed by expert panel. Criteria: ClinGen MyeloMalig ACMG Specifications V3.1. Collection method: curation. Allele origin: germline. Inheritance: Autosomal dominant inheritance.
Comment: NM_001754.5(RUNX1):c.1277_1278insCCCCCCCCCCC (p.Arg427ProfsTer?) is a frameshift variant which is not predicted to undergo NMD (PVS1_Strong). This variant is downstream of c.98 (PM5_Supporting) and is completely absent from all population databases with at least 20x coverage for RUNX1 (PM2_Supporting). In summary, this variant meets criteria to be classified as likely pathogenic. ACMG/AMP criteria applied, as specified by the ClinGen Myeloid Malignancy Variant Curation Expert Panel for RUNX1: PVS1_Strong, PM5_Supporting, PM2_Supporting.

Centre for Mendelian Genomics, University Medical Centre Ljubljana
Classification: Benign for Hereditary thrombocytopenia and hematological cancer predisposition syndrome associated with RUNX1. Last evaluated: 2018-10-19. Review status: criteria provided, single submitter. Criteria: ACMG Guidelines, 2015. Collection method: clinical testing. Allele origin: unknown. Affected: yes. Not counted in ClinVar's aggregate classification.
Comment: This variant was classified as: Benign. The following ACMG criteria were applied in classifying this variant: BS1,BS2.

NM_001754.5(RUNX1):c.1277_1278insCCCCCCCCCCC (p.Arg427fs)

Gene: RUNX1 (RUNX family transcription factor 1; minus strand). Cytogenetic location: 21q22.12.
Variant type: Insertion.
Coding change: c.1277_1278insCCCCCCCCCCC on transcript NM_001754.5 (MANE Select); coding-DNA positions 1277 to 1278, CCCCCCCCCCC inserted.
Protein change: p.Arg427fs; shifts the reading frame from arginine 427.
Molecular consequence: frameshift variant.
Genome position: GRCh38 VCF-style: chr21-34792300-C-CGGGGGGGGGGG. GRCh37 (hg19) VCF-style: chr21-36164597-C-CGGGGGGGGGGG.
Other names: NM_001754.5(RUNX1):c.1277_1278insCCCCCCCCCCC; p.Arg427fs; c.1196_1197insCCCCCCCCCCC, p.Arg400fs (NM_001001890.3); short protein forms R427fs, R400fs.
Identifiers: ClinVar variation 931873 (VCV000931873.5), dbSNP rs2056451263, ClinGen allele CA1139666837.